The following is an entry in ClinVar:

ClinVar aggregate classification (germline): Uncertain significance (1 of 4 stars; one submission).

Conditions:
ZTTK syndrome (ZTTKS). Also called: ZTTK MULTIPLE CONGENITAL ANOMALIES-MENTAL RETARDATION SYNDROME; Zhu-Tokita-Takenouchi-Kim Syndrome. Identifiers: Orphanet 500150, MedGen C4310696, MONDO:0014936, OMIM 617140.

Submission:

Baylor Genetics
Classification: Uncertain significance for ZTTK syndrome. Last evaluated: 2020-01-23. Review status: criteria provided, single submitter. Criteria: ACMG Guidelines, 2015. Collection method: clinical testing. Allele origin: unknown. Affected: yes.
Comment: This variant was determined to be of uncertain significance according to ACMG Guidelines, 2015 [PMID:25741868].

NM_138927.4(SON):c.4548G>A (p.Glu1516=)

Gene: SON (SON DNA and RNA binding protein; plus strand). Cytogenetic location: 21q22.11.
Variant type: single nucleotide variant.
Coding change: c.4548G>A on transcript NM_138927.4 (MANE Select); coding-DNA position 4548, G replaced by A.
Protein change: p.Glu1516=; no amino-acid change (glutamic acid 1516 retained).
Molecular consequence: synonymous variant. On other transcripts: non-coding transcript variant (1), intron variant (1).
Genome position (GRCh38, 1-based): chr21:33,553,779, G>A. VCF-style: chr21-33553779-G-A. GRCh37 (hg19) VCF-style: chr21-34926085-G-A.
Other names: c.4548G>A, p.Glu1516= (NM_001291411.2, NM_032195.3); c.245-3377G>A (NM_001291412.3).
Identifiers: ClinVar variation 1030013 (VCV001030013.1), dbSNP rs2085879819, ClinGen allele CA512338201.